The following is an entry in ClinVar:

ClinVar aggregate classification (germline): Uncertain significance. Review status: criteria provided, multiple submitters, no conflicts (2 of 4 stars). 2 submissions from 2 submitters: Uncertain significance (2). Last evaluated 2024-05-23.

Conditions:
Developmental and epileptic encephalopathy 94 (DEE94). Also called: CHD2-Related Neurodevelopmental Disorders; Epileptic encephalopathy, childhood-onset. Identifiers: Orphanet 1942, Orphanet 2382, MedGen C3809278, MONDO:0014150, OMIM 615369.

Allele frequency attached by ClinVar (database versions not stated): ExAC 0.00001; gnomAD 0.00001; gnomAD exomes 0.00001; TOPMed 0.00002; 1000 Genomes Project 30x 0.00016; 1000 Genomes Project 0.00020.
gnomAD v4.1: 14 of 1,613,698 alleles (0.00087%); highest among the groups gnomAD compares: African/African-American, 0.004%; no homozygotes.

Submissions (2):

Labcorp Genetics (formerly Invitae), Labcorp
Classification: Uncertain significance for Developmental and epileptic encephalopathy 94. Last evaluated: 2024-05-23. Review status: criteria provided, single submitter. Criteria: Invitae Variant Classification Sherloc (09022015). Collection method: clinical testing. Allele origin: germline.
Comment: This sequence change replaces aspartic acid, which is acidic and polar, with asparagine, which is neutral and polar, at codon 291 of the CHD2 protein (p.Asp291Asn). This variant is present in population databases (rs201819533, gnomAD 0.01%). This variant has not been reported in the literature in individuals affected with CHD2-related conditions. ClinVar contains an entry for this variant (Variation ID: 474398). Advanced modeling of protein sequence and biophysical properties (such as structural, functional, and spatial information, amino acid conservation, physicochemical variation, residue mobility, and thermodynamic stability) performed at Invitae indicates that this missense variant is not expected to disrupt CHD2 protein function with a negative predictive value of 95%. In summary, the available evidence is currently insufficient to determine the role of this variant in disease. Therefore, it has been classified as a Variant of Uncertain Significance.

GeneDx
Classification: Uncertain significance. Last evaluated: 2023-03-23. Review status: criteria provided, single submitter. Criteria: GeneDx Variant Classification Process June 2021. Collection method: clinical testing. Allele origin: germline. Affected: yes.
Comment: In silico analysis supports that this missense variant has a deleterious effect on protein structure/function; Has not been previously published as pathogenic or benign to our knowledge; This variant is associated with the following publications: (PMID: 26122175)

NM_001271.4(CHD2):c.871G>A (p.Asp291Asn)

Gene: CHD2 (chromodomain helicase DNA binding protein 2; plus strand). Cytogenetic location: 15q26.1.
Variant type: single nucleotide variant.
Coding change: c.871G>A on transcript NM_001271.4 (MANE Select); coding-DNA position 871, G replaced by A.
Protein change: p.Asp291Asn; replaces aspartic acid 291 with asparagine.
Molecular consequence: missense variant.
Genome position (GRCh38, 1-based): chr15:92,942,887, G>A. VCF-style: chr15-92942887-G-A. GRCh37 (hg19) VCF-style: chr15-93486117-G-A.
Other names: c.871G>A, p.Asp291Asn (NM_001042572.3); short protein forms D291N.
Identifiers: ClinVar variation 474398 (VCV000474398.10), dbSNP rs201819533, ClinGen allele CA7747653.